The following is an entry in ClinVar:

NC_000002.11:g.(?_21224602)_(21266817_?)dup

Gene: APOB (apolipoprotein B; minus strand). Cytogenetic location: 2p24.1.
Variant type: Duplication.
Identifiers: ClinVar variation 2422996 (VCV002422996.5).

ClinVar aggregate classification (germline): Uncertain significance (1 of 4 stars; one submission).

Conditions:
Familial hypobetalipoproteinemia 1. Also called: Hypobetalipoproteinemia, normotriglyceridemic; Acanthocytosis with hypobetalipoproteinemia; APOB-Related Familial Hypobetalipoproteinemia. Identifiers: MedGen C4551990, MONDO:0014252, OMIM 615558.
Hypercholesterolemia, autosomal dominant, type B (FHCL2). Also called: Familial hypercholesterolemia 2; Familial Hypercholesterolemia Type B; APOLIPOPROTEIN B-100, FAMILIAL DEFECTIVE; APOLIPOPROTEIN B-100, FAMILIAL LIGAND-DEFECTIVE; HYPERCHOLESTEROLEMIA, FAMILIAL, DUE TO LIGAND-DEFECTIVE APOLIPOPROTEIN B; APOB-Related Familial Hypercholesterolemia, Autosomal Dominant. Identifiers: MedGen C1704417, MONDO:0007751, OMIM 144010.

Submission:

Labcorp Genetics (formerly Invitae), Labcorp
Classification: Uncertain significance for Familial hypobetalipoproteinemia 1; Hypercholesterolemia, autosomal dominant, type B. Last evaluated: 2023-10-24. Review status: criteria provided, single submitter. Criteria: Invitae Variant Classification Sherloc (09022015). Collection method: clinical testing. Allele origin: germline.
Comment: A copy number gain of the genomic region encompassing the full coding sequence of the APOB gene has been identified. The boundaries of this event are unknown as they extend beyond the assayed region for this gene and therefore may encompass additional genes. As the precise location of this event is unknown, it may be in tandem or it may be located elsewhere in the genome. This variant has not been reported in the literature in individuals affected with APOB-related conditions. In summary, the available evidence is currently insufficient to determine the role of this variant in disease. Therefore, it has been classified as a Variant of Uncertain Significance.